The following is an entry in ClinVar:

NM_001036.6(RYR3):c.11420C>A (p.Ala3807Glu)

Gene: RYR3 (ryanodine receptor 3; plus strand). Cytogenetic location: 15q14.
Variant type: single nucleotide variant.
Coding change: c.11420C>A on transcript NM_001036.6 (MANE Select); coding-DNA position 11420, C replaced by A.
Protein change: p.Ala3807Glu; replaces alanine 3807 with glutamic acid.
Molecular consequence: missense variant.
Genome position (GRCh38, 1-based): chr15:33,831,048, C>A. VCF-style: chr15-33831048-C-A. GRCh37 (hg19) VCF-style: chr15-34123249-C-A.
Other names: c.11405C>A, p.Ala3802Glu (NM_001243996.4); c.11420C>A (NM_001036.3); short protein forms A3807E, A3802E.
Identifiers: ClinVar variation 461842 (VCV000461842.7), dbSNP rs757214631, ClinGen allele CA7461217.

ClinVar aggregate classification (germline): Uncertain significance. Review status: criteria provided, multiple submitters, no conflicts (2 of 4 stars). 3 submissions from 3 submitters: Uncertain significance (3). Last evaluated 2021-09-08.

Conditions:
Epileptic encephalopathy. Identifiers: MedGen C0543888, HP:0200134.

Allele frequency attached by ClinVar (database versions not stated): gnomAD 0.00001 and 0.00002; TOPMed 0.00005; ExAC 0.00007.
gnomAD v4.1: 64 of 1,613,542 alleles (0.004%); highest among the groups gnomAD compares: Non-Finnish European, 0.0053%; no homozygotes.

Submissions (3):

Labcorp Genetics (formerly Invitae), Labcorp
Classification: Uncertain significance for Epileptic encephalopathy. Last evaluated: 2021-09-08. Review status: criteria provided, single submitter. Criteria: Invitae Variant Classification Sherloc (09022015). Collection method: clinical testing. Allele origin: germline.
Comment: This sequence change replaces alanine with glutamic acid at codon 3807 of the RYR3 protein (p.Ala3807Glu). The alanine residue is moderately conserved and there is a moderate physicochemical difference between alanine and glutamic acid. This variant is present in population databases (rs757214631, ExAC 0.01%). This variant has not been reported in the literature in individuals affected with RYR3-related conditions. Algorithms developed to predict the effect of missense changes on protein structure and function are either unavailable or do not agree on the potential impact of this missense change (SIFT: "Deleterious"; PolyPhen-2: "Benign"; Align-GVGD: "Class C0"). In summary, the available evidence is currently insufficient to determine the role of this variant in disease. Therefore, it has been classified as a Variant of Uncertain Significance.

Ambry Genetics
Classification: Uncertain significance. Last evaluated: 2021-08-02. Review status: criteria provided, single submitter. Criteria: Ambry Variant Classification Scheme 2023. Collection method: clinical testing. Allele origin: germline.

Fulgent Genetics
Classification: Uncertain significance for Epileptic encephalopathy. Last evaluated: 2018-10-31. Review status: criteria provided, single submitter. Criteria: ACMG Guidelines, 2015. Collection method: clinical testing. Allele origin: unknown.